The following is an entry in ClinVar:

ClinVar aggregate classification (germline): Pathogenic. Review status: reviewed by expert panel (3 of 4 stars). 2 submissions from 2 submitters: Pathogenic (1). 1 of the submissions does not count toward it. Last evaluated 2016-10-18.

Conditions:
Breast-ovarian cancer, familial, susceptibility to, 2 (BROVCA2). Also called: BRCA2 Hereditary Breast and Ovarian Cancer. Identifiers: Orphanet 145, MedGen C2675520, MONDO:0012933, OMIM 612555. Disease mechanism: loss of function.

Submissions (2):

Evidence-based Network for the Interpretation of Germline Mutant Alleles (ENIGMA)
Classification: Pathogenic for Breast-ovarian cancer, familial, susceptibility to, 2. Last evaluated: 2016-10-18. Review status: reviewed by expert panel. Criteria: ENIGMA BRCA1/2 Classification Criteria (2015). Collection method: curation. Allele origin: germline.
Comment: Variant allele predicted to encode a truncated non-functional protein.

Consortium of Investigators of Modifiers of BRCA1/2 (CIMBA), c/o University of Cambridge
Classification: Pathogenic for Breast-ovarian cancer, familial, susceptibility to, 2. Last evaluated: 2015-10-02. Review status: criteria provided, single submitter. Criteria: CIMBA Mutation Classification guidelines May 2016. Collection method: clinical testing. Allele origin: germline. Not counted in ClinVar's aggregate classification.

NM_000059.4(BRCA2):c.4095del (p.Lys1367fs)

Gene: BRCA2 (BRCA2 DNA repair associated; plus strand). Cytogenetic location: 13q13.1.
Variant type: Deletion.
Coding change: c.4095del on transcript NM_000059.4 (MANE Select); coding-DNA position 4095, one base deleted (T; older notation c.4095delT).
Protein change: p.Lys1367fs; shifts the reading frame from lysine 1367.
Molecular consequence: frameshift variant.
Genome position (GRCh38, 1-based): chr13:32,338,450, T deleted. VCF-style (leftmost placement, unchanged base first): chr13-32338449-GT-G. GRCh37 (hg19) VCF-style: chr13-32912586-GT-G.
Other names: 4323delT-ter1373; c.4095delT (NM_000059.3).
Identifiers: ClinVar variation 51594 (VCV000051594.7), dbSNP rs397507703, ClinGen allele CA019512.